The following is an entry in ClinVar:

NM_144651.5(PXDNL):c.1111C>T (p.Leu371=)

Gene: PXDNL (peroxidasin like; minus strand). Cytogenetic location: 8q11.22.
Variant type: single nucleotide variant.
Coding change: c.1111C>T on transcript NM_144651.5 (MANE Select); coding-DNA position 1111, C replaced by T.
Protein change: p.Leu371=; no amino-acid change (leucine 371 retained).
Molecular consequence: synonymous variant.
Genome position (GRCh38, 1-based): chr8:51,453,657, G>A on the plus strand (C>T on the coding strand, the complement: PXDNL is on the minus strand). VCF-style: chr8-51453657-G-A. GRCh37 (hg19) VCF-style: chr8-52366217-G-A.
Identifiers: ClinVar variation 3060853 (VCV003060853.2), dbSNP rs6473600, ClinGen allele CA4745440.

ClinVar aggregate classification (germline): Benign (0 of 4 stars; one submission).

Conditions:
PXDNL-related disorder. Also called: PXDNL-related condition.

Allele frequency attached by ClinVar (database versions not stated): ExAC 0.14449; 1000 Genomes Project 0.15256; ESP Exome Variant Server 0.15471; TOPMed 0.15723; 1000 Genomes Project 30x 0.15834; gnomAD 0.15898.

Submission:

PreventionGenetics, part of Exact Sciences
Classification: Benign for PXDNL-related condition. Last evaluated: 2019-12-09. Review status: no assertion criteria provided. Collection method: clinical testing. Allele origin: germline.
Comment: This variant is classified as benign based on ACMG/AMP sequence variant interpretation guidelines (Richards et al. 2015 PMID: 25741868, with internal and published modifications).